The following is an entry in ClinVar:

ClinVar aggregate classification (germline): Uncertain significance (1 of 4 stars; one submission).

Conditions:
Inborn genetic diseases. Identifiers: MedGen C0950123, MeSH D030342.

Allele frequency attached by ClinVar (database versions not stated): gnomAD exomes below 0.00001; TOPMed below 0.00001; gnomAD 0.00001.
gnomAD v4.1: 5 of 1,580,362 alleles (0.00032%); highest among the groups gnomAD compares: Non-Finnish European, 0.00043%; no homozygotes.

Submission:

Ambry Genetics
Classification: Uncertain significance for Inborn genetic diseases. Last evaluated: 2020-12-08. Review status: criteria provided, single submitter. Criteria: Ambry Variant Classification Scheme 2023. Collection method: clinical testing. Allele origin: germline.
Comment: The p.S189N variant (also known as c.566G>A), located in coding exon 6 of the PLEKHG5 gene, results from a G to A substitution at nucleotide position 566. The serine at codon 189 is replaced by asparagine, an amino acid with highly similar properties. This amino acid position is not well conserved in available vertebrate species, and asparagine is the reference amino acid in other vertebrate species. In addition, this alteration is predicted to be tolerated by in silico analysis. Since supporting evidence is limited at this time, the clinical significance of this alteration remains unclear.

NM_020631.6(PLEKHG5):c.566G>A (p.Ser189Asn)

Gene: PLEKHG5 (pleckstrin homology and RhoGEF domain containing G5; minus strand). Cytogenetic location: 1p36.31.
Variant type: single nucleotide variant.
Coding change: c.566G>A on transcript NM_020631.6 (MANE Select); coding-DNA position 566, G replaced by A.
Protein change: p.Ser189Asn; replaces serine 189 with asparagine.
Molecular consequence: missense variant.
Genome position (GRCh38, 1-based): chr1:6,474,038, C>T on the plus strand (G>A on the coding strand, the complement: PLEKHG5 is on the minus strand). VCF-style: chr1-6474038-C-T. GRCh37 (hg19) VCF-style: chr1-6534098-C-T.
Other names: c.677G>A, p.Ser226Asn (NM_001042663.3, NM_001265592.2); c.566G>A, p.Ser189Asn (NM_001042664.2, NM_001042665.2, NM_001265594.3 and 1 more transcripts); c.773G>A, p.Ser258Asn (NM_001265593.2); short protein forms S189N, S226N, S258N.
Identifiers: ClinVar variation 1748952 (VCV001748952.2), dbSNP rs1404411924, ClinGen allele CA338138446.